The following is an entry in ClinVar:

ClinVar aggregate classification (germline): Benign. Review status: criteria provided, single submitter (1 of 4 stars). 2 submissions from 2 submitters: Benign (1). 1 of the submissions does not count toward it. Last evaluated 2023-12-04.

Conditions:
CSF1R-related disorder. Also called: CSF1R-related condition. Identifiers: MedGen CN379780, MONDO:0100632.

Allele frequency attached by ClinVar (database versions not stated): ESP Exome Variant Server 0.00008; gnomAD 0.00010; TOPMed 0.00011; 1000 Genomes Project 30x 0.00016; 1000 Genomes Project 0.00020.
gnomAD v4.1: 23 of 1,551,134 alleles (0.0015%); highest among the groups gnomAD compares: African/African-American, 0.03%; no homozygotes.

Submissions (2):

Labcorp Genetics (formerly Invitae), Labcorp
Classification: Benign. Last evaluated: 2023-12-04. Review status: criteria provided, single submitter. Criteria: Invitae Variant Classification Sherloc (09022015). Collection method: clinical testing. Allele origin: germline.

PreventionGenetics, part of Exact Sciences
Classification: Likely benign for CSF1R-related condition. Last evaluated: 2019-12-26. Review status: no assertion criteria provided. Collection method: clinical testing. Allele origin: germline. Not counted in ClinVar's aggregate classification.
Comment: This variant is classified as likely benign based on ACMG/AMP sequence variant interpretation guidelines (Richards et al. 2015 PMID: 25741868, with internal and published modifications).

NM_001288705.3(CSF1R):c.1125G>A (p.Glu375=)

Gene: CSF1R (colony stimulating factor 1 receptor; minus strand). Cytogenetic location: 5q32.
Variant type: single nucleotide variant.
Coding change: c.1125G>A on transcript NM_001288705.3 (MANE Select); coding-DNA position 1125, G replaced by A.
Protein change: p.Glu375=; no amino-acid change (glutamic acid 375 retained).
Molecular consequence: synonymous variant. On other transcripts: non-coding transcript variant (2).
Genome position (GRCh38, 1-based): chr5:150,070,529, C>T on the plus strand (G>A on the coding strand, the complement: CSF1R is on the minus strand). VCF-style: chr5-150070529-C-T. GRCh37 (hg19) VCF-style: chr5-149450092-C-T.
Other names: c.1125G>A (NM_005211.3); c.1125G>A, p.Glu375= (NM_001349736.2, NM_001375320.1, NM_005211.4); c.681G>A, p.Glu227= (NM_001375321.1).
Identifiers: ClinVar variation 2985230 (VCV002985230.5), dbSNP rs373828759, ClinGen allele CA3506939.